The following is an entry in ClinVar:

ClinVar aggregate classification (germline): Uncertain significance (1 of 4 stars; one submission).

Allele frequency attached by ClinVar (database versions not stated): gnomAD exomes below 0.00001.
gnomAD v4.1: 1 of 1,613,958 alleles (0.000062%); highest among the groups gnomAD compares: East Asian, 0.0022%; no homozygotes.

Submission:

Labcorp Genetics (formerly Invitae), Labcorp
Classification: Uncertain significance. Last evaluated: 2021-10-03. Review status: criteria provided, single submitter. Criteria: Invitae Variant Classification Sherloc (09022015). Collection method: clinical testing. Allele origin: germline.
Comment: This variant has not been reported in the literature in individuals affected with COL13A1-related conditions. In summary, the available evidence is currently insufficient to determine the role of this variant in disease. Therefore, it has been classified as a Variant of Uncertain Significance. Algorithms developed to predict the effect of missense changes on protein structure and function are either unavailable or do not agree on the potential impact of this missense change (SIFT: "Deleterious"; PolyPhen-2: "Benign"; Align-GVGD: "Class C35"). This variant is not present in population databases (ExAC no frequency). This sequence change replaces proline with threonine at codon 627 of the COL13A1 protein (p.Pro627Thr). The proline residue is highly conserved and there is a small physicochemical difference between proline and threonine.

NM_001368882.1(COL13A1):c.1912C>A (p.Pro638Thr)

Gene: COL13A1 (collagen type XIII alpha 1 chain; plus strand). Cytogenetic location: 10q22.1.
Variant type: single nucleotide variant.
Coding change: c.1912C>A on transcript NM_001368882.1 (MANE Select); coding-DNA position 1912, C replaced by A.
Protein change: p.Pro638Thr; replaces proline 638 with threonine.
Molecular consequence: missense variant. On other transcripts: intron variant (10).
Genome position (GRCh38, 1-based): chr10:69,941,021, C>A. VCF-style: chr10-69941021-C-A. GRCh37 (hg19) VCF-style: chr10-71700777-C-A.
Other names: c.1879C>A, p.Pro627Thr (NM_001130103.2); c.1789C>A, p.Pro597Thr (NM_001368883.1); c.1621C>A, p.Pro541Thr (NM_001368896.1); c.1663C>A, p.Pro555Thr (NM_080798.4); c.1813C>A, p.Pro605Thr (NM_080801.4); c.1771-3104C>A (NM_001320951.2); c.1729-3104C>A (NM_001368884.1); c.1735-3104C>A (NM_080802.4); and 7 more; short protein forms P541T, P627T, P638T, P555T, P597T, P605T.
Identifiers: ClinVar variation 1384255 (VCV001384255.6), dbSNP rs1375882768, ClinGen allele CA376932909.
Genomic context (GRCh38, chr10:69,941,021, plus strand): 5'-TTTGGTCAAACTGTGCCCTTCGTCCAGGGAGCTTCAGGTTTGGACGGCAGGCCTGGGCCA[C>A]CGGTGAGTGTCACTTCTCCATCACCCCTCACCCCACTCCACTCCACACCTGGCCTGTGAT-3'
Protein context (NP_001355811.1, residues 628-648): ASGLDGRPGP[Pro638Thr]GTPGPIGVPG